The following is an entry in ClinVar:

ClinVar aggregate classification (germline): Uncertain significance (1 of 4 stars; one submission).

Conditions:
Combined deficiency of sialidase AND beta galactosidase (GSL). Also called: CATHEPSIN A DEFICIENCY; PPCA DEFICIENCY; PROTECTIVE PROTEIN/CATHEPSIN A DEFICIENCY; Galactosialidosis; GOLDBERG SYNDROME; NEURAMINIDASE DEFICIENCY WITH BETA-GALACTOSIDASE DEFICIENCY. Identifiers: Orphanet 351, MedGen C0268233, MONDO:0009737, OMIM 256540.

Allele frequency attached by ClinVar (database versions not stated): gnomAD 0.00002 and 0.00004; TOPMed 0.00002; ExAC 0.00006; ESP Exome Variant Server 0.00008; gnomAD exomes 0.00008; 1000 Genomes Project 30x 0.00031; 1000 Genomes Project 0.00040.

Submission:

Labcorp Genetics (formerly Invitae), Labcorp
Classification: Uncertain significance for Combined deficiency of sialidase AND beta galactosidase. Last evaluated: 2021-09-17. Review status: criteria provided, single submitter. Criteria: Invitae Variant Classification Sherloc (09022015). Collection method: clinical testing. Allele origin: germline.
Comment: This sequence change replaces alanine with valine at codon 466 of the CTSA protein (p.Ala466Val). The alanine residue is weakly conserved and there is a small physicochemical difference between alanine and valine. This variant is present in population databases (rs185187245, ExAC 0.07%). This variant has not been reported in the literature in individuals with CTSA-related conditions. Algorithms developed to predict the effect of missense changes on protein structure and function are either unavailable or do not agree on the potential impact of this missense change (SIFT: "Not Available"; PolyPhen-2: "Benign"; Align-GVGD: "Not Available"). In summary, the available evidence is currently insufficient to determine the role of this variant in disease. Therefore, it has been classified as a Variant of Uncertain Significance.

NM_000308.4(CTSA):c.1343C>T (p.Ala448Val)

Gene: CTSA (cathepsin A; plus strand). Cytogenetic location: 20q13.12.
Variant type: single nucleotide variant.
Coding change: c.1343C>T on transcript NM_000308.4 (MANE Select); coding-DNA position 1343, C replaced by T.
Protein change: p.Ala448Val; replaces alanine 448 with valine.
Molecular consequence: missense variant. On other transcripts: non-coding transcript variant (1).
Genome position (GRCh38, 1-based): chr20:45,898,093, C>T. VCF-style: chr20-45898093-C-T. GRCh37 (hg19) VCF-style: chr20-44526732-C-T.
Other names: c.1343C>T, p.Ala448Val (NM_001127695.3); c.1292C>T, p.Ala431Val (NM_001167594.3); short protein forms A448V, A431V.
Identifiers: ClinVar variation 1384729 (VCV001384729.5), dbSNP rs185187245, ClinGen allele CA9883378.
Genomic context (GRCh38, chr20:45,898,093, plus strand): 5'-TGAAGTACGGGGACAGCGGGGAGCAGATTGCCGGCTTCGTGAAGGAGTTCTCCCACATCG[C>T]CTTTCTCACGATCAAGGTAGGGACTGGGCCTGCTGAGAGATAACTGGGCCGGAGGCAAAG-3'
Protein context (NP_000299.3, residues 438-458): AGFVKEFSHI[Ala448Val]FLTIKGAGHM